The following is an entry in ClinVar:

ClinVar aggregate classification (germline): Likely pathogenic (1 of 4 stars; one submission).

Conditions:
Cardiovascular phenotype. Identifiers: MedGen CN230736.

Submission:

Ambry Genetics
Classification: Likely pathogenic for Cardiovascular phenotype. Last evaluated: 2021-05-25. Review status: criteria provided, single submitter. Criteria: Ambry Variant Classification Scheme 2023. Collection method: clinical testing. Allele origin: germline.
Comment: The c.107delC variant, located in coding exon 2 of the MYBPC3 gene, results from a deletion of one nucleotide at nucleotide position 107, causing a translational frameshift with a predicted alternate stop codon (p.A36Efs*3). The predicted stop codon occurs within the first 150 nucleotides of theMYBPC3 gene. This alteration may escape nonsense-mediated mRNAdecay and/or be rescued by re-initiation (Rivas et al. Science. 2015 May 8;348(6235):666-9; Lindeboom et al. Nat Genet. 2016 Oct;48(10):1112-8; Rhee et al. Sci Rep. 2017 May 10;7(1):1653). However, a significant portion of the protein is affected, and there is no evidence of a rescue transcript to suggest re-initiation occurs (Ambry internal data). Based on the majority of available evidence to date, this variant is likely to be pathogenic.

NM_000256.3(MYBPC3):c.107del (p.Ala36fs)

Gene: MYBPC3 (myosin binding protein C3; minus strand). Cytogenetic location: 11p11.2.
Variant type: Deletion.
Coding change: c.107del on transcript NM_000256.3 (MANE Select); coding-DNA position 107, one base deleted (C; older notation c.107delC).
Protein change: p.Ala36fs; shifts the reading frame from alanine 36.
Molecular consequence: frameshift variant.
Genome position (GRCh38, 1-based): chr11:47,351,424, G deleted on the plus strand (C on the coding strand, the reverse complement: MYBPC3 is on the minus strand). VCF-style (leftmost placement, unchanged base first): chr11-47351423-TG-T. GRCh37 (hg19) VCF-style: chr11-47372974-TG-T.
Other names: c.107delC (NM_000256.3); short protein forms A36fs.
Identifiers: ClinVar variation 1786023 (VCV001786023.2), dbSNP rs2495786486, ClinGen allele CA2580084280.